The following is an entry in ClinVar:

NM_020964.3(EPG5):c.1625C>T (p.Ser542Phe)

Gene: EPG5 (ectopic P-granules 5 autophagy tethering factor; minus strand). Cytogenetic location: 18q21.1.
Variant type: single nucleotide variant.
Coding change: c.1625C>T on transcript NM_020964.3 (MANE Select); coding-DNA position 1625, C replaced by T.
Protein change: p.Ser542Phe; replaces serine 542 with phenylalanine.
Molecular consequence: missense variant.
Genome position (GRCh38, 1-based): chr18:45,946,715, G>A on the plus strand (C>T on the coding strand, the complement: EPG5 is on the minus strand). VCF-style: chr18-45946715-G-A. GRCh37 (hg19) VCF-style: chr18-43526681-G-A.
Other names: short protein forms S542F.
Identifiers: ClinVar variation 844348 (VCV000844348.8), dbSNP rs754742313, ClinGen allele CA8949651.

ClinVar aggregate classification (germline): Uncertain significance (1 of 4 stars; one submission).

Conditions:
Vici syndrome (VICIS). Identifiers: Orphanet 1493, MedGen C1855772, MONDO:0009452, OMIM 242840.

gnomAD v4.1: 8 of 1,614,072 alleles (0.0005%); highest among the groups gnomAD compares: Admixed American, 0.012%; no homozygotes.

Submission:

Labcorp Genetics (formerly Invitae), Labcorp
Classification: Uncertain significance for Vici syndrome. Last evaluated: 2022-08-22. Review status: criteria provided, single submitter. Criteria: Invitae Variant Classification Sherloc (09022015). Collection method: clinical testing. Allele origin: germline.
Comment: This sequence change replaces serine, which is neutral and polar, with phenylalanine, which is neutral and non-polar, at codon 542 of the EPG5 protein (p.Ser542Phe). This variant is present in population databases (rs754742313, gnomAD 0.01%). This variant has not been reported in the literature in individuals affected with EPG5-related conditions. ClinVar contains an entry for this variant (Variation ID: 844348). Algorithms developed to predict the effect of missense changes on protein structure and function are either unavailable or do not agree on the potential impact of this missense change (SIFT: "Deleterious"; PolyPhen-2: "Benign"; Align-GVGD: "Class C0"). In summary, the available evidence is currently insufficient to determine the role of this variant in disease. Therefore, it has been classified as a Variant of Uncertain Significance.